The following is an entry in ClinVar:

NM_001352186.2(ANKS1B):c.1703C>T (p.Pro568Leu)

Gene: ANKS1B (ankyrin repeat and sterile alpha motif domain containing 1B; minus strand). Cytogenetic location: 12q23.1.
Variant type: single nucleotide variant.
Coding change: c.1703C>T on transcript NM_001352186.2 (MANE Select); coding-DNA position 1703, C replaced by T.
Protein change: p.Pro568Leu; replaces proline 568 with leucine.
Molecular consequence: missense variant.
Genome position (GRCh38, 1-based): chr12:99,399,684, G>A on the plus strand (C>T on the coding strand, the complement: ANKS1B is on the minus strand). VCF-style: chr12-99399684-G-A. GRCh37 (hg19) VCF-style: chr12-99793462-G-A.
Other names: c.1703C>T, p.Pro568Leu (NM_001352185.1, NM_001352187.1, NM_001352188.1 and 1 more transcripts); short protein forms P568L.
Identifiers: ClinVar variation 4985060 (VCV004985060.1).

ClinVar aggregate classification (germline): Uncertain significance (1 of 4 stars; one submission).

Conditions:
ANKS1B-related disorder. Also called: ANKS1B-related condition.

Submission:

PreventionGenetics, part of Exact Sciences
Classification: Uncertain significance for ANKS1B-related condition. Last evaluated: 2026-05-16. Review status: criteria provided, single submitter. Criteria: ACMG Guidelines, 2015. Collection method: clinical testing. Allele origin: germline.
Comment: The ANKS1B c.1703C>T variant is predicted to result in the amino acid substitution p.Pro568Leu. To our knowledge, this variant has not been reported in the literature or in a large population database (gnomAD), indicating this variant is rare. At this time, the clinical significance of this variant is uncertain due to the absence of conclusive functional and genetic evidence.